The following is an entry in ClinVar:

ClinVar aggregate classification (germline): Uncertain significance. Review status: criteria provided, multiple submitters, no conflicts (2 of 4 stars). 2 submissions from 2 submitters: Uncertain significance (2). Last evaluated 2024-12-10.

Conditions:
Bloom syndrome (BLM). Also called: Bloom-Torre-Machacek syndrome. Identifiers: Orphanet 125, MedGen C0005859, MONDO:0008876, OMIM 210900.
Hereditary cancer-predisposing syndrome. Also called: Neoplastic Syndromes, Hereditary; Tumor predisposition; Hereditary neoplastic syndrome; Hereditary Cancer Syndrome. Identifiers: Orphanet 140162, MedGen C0027672, MeSH D009386, MONDO:0015356.

Submissions (2):

Ambry Genetics
Classification: Uncertain significance for Hereditary cancer-predisposing syndrome. Last evaluated: 2024-12-10. Review status: criteria provided, single submitter. Criteria: Ambry Variant Classification Scheme 2023. Collection method: clinical testing. Allele origin: germline.
Comment: The p.S622L variant (also known as c.1865C>T), located in coding exon 6 of the BLM gene, results from a C to T substitution at nucleotide position 1865. The serine at codon 622 is replaced by leucine, an amino acid with dissimilar properties. This amino acid position is conserved. In addition, this alteration is predicted to be tolerated by in silico analysis. Since supporting evidence is limited at this time, the clinical significance of this alteration remains unclear.

Labcorp Genetics (formerly Invitae), Labcorp
Classification: Uncertain significance for Bloom syndrome. Last evaluated: 2024-02-23. Review status: criteria provided, single submitter. Criteria: Invitae Variant Classification Sherloc (09022015). Collection method: clinical testing. Allele origin: germline.
Comment: This sequence change replaces serine, which is neutral and polar, with leucine, which is neutral and non-polar, at codon 622 of the BLM protein (p.Ser622Leu). This variant is not present in population databases (gnomAD no frequency). This variant has not been reported in the literature in individuals affected with BLM-related conditions. ClinVar contains an entry for this variant (Variation ID: 2452539). An algorithm developed to predict the effect of missense changes on protein structure and function (PolyPhen-2) suggests that this variant is likely to be tolerated. In summary, the available evidence is currently insufficient to determine the role of this variant in disease. Therefore, it has been classified as a Variant of Uncertain Significance.

NM_000057.4(BLM):c.1865C>T (p.Ser622Leu)

Gene: BLM (BLM RecQ like helicase; plus strand). Cytogenetic location: 15q26.1.
Variant type: single nucleotide variant.
Coding change: c.1865C>T on transcript NM_000057.4 (MANE Select); coding-DNA position 1865, C replaced by T.
Protein change: p.Ser622Leu; replaces serine 622 with leucine.
Molecular consequence: missense variant.
Genome position (GRCh38, 1-based): chr15:90,761,238, C>T. VCF-style: chr15-90761238-C-T. GRCh37 (hg19) VCF-style: chr15-91304468-C-T.
Other names: c.1865C>T, p.Ser622Leu (NM_001287246.2, NM_001287247.2); c.740C>T, p.Ser247Leu (NM_001287248.2); short protein forms S247L, S622L.
Identifiers: ClinVar variation 2452539 (VCV002452539.5), dbSNP rs2505429817, ClinGen allele CA393844012.